The following is an entry in ClinVar:

NM_000138.5(FBN1):c.386del (p.Cys129fs)

Gene: FBN1 (fibrillin 1; minus strand). Cytogenetic location: 15q21.1.
Variant type: Deletion.
Coding change: c.386del on transcript NM_000138.5 (MANE Select); coding-DNA position 386, one base deleted (G; older notation c.386delG).
Protein change: p.Cys129fs; shifts the reading frame from cysteine 129.
Molecular consequence: frameshift variant.
Genome position (GRCh38, 1-based): chr15:48,600,195, C deleted on the plus strand (G on the coding strand, the reverse complement: FBN1 is on the minus strand). VCF-style (leftmost placement, unchanged base first): chr15-48600194-GC-G. GRCh37 (hg19) VCF-style: chr15-48892391-GC-G.
Other names: c.386delG (NM_000138.4); short protein forms C129fs.
Identifiers: ClinVar variation 504448 (VCV000504448.2), dbSNP rs1555405046, ClinGen allele CA658798363.

ClinVar aggregate classification (germline): Likely pathogenic (1 of 4 stars; one submission).

Submission:

GeneDx
Classification: Likely pathogenic. Last evaluated: 2018-03-06. Review status: criteria provided, single submitter. Criteria: GeneDx Variant Classification (06012015). Collection method: clinical testing. Allele origin: germline. Affected: yes.
Comment: Although the c.386delG likely pathogenic variant in the FBN1 gene has not been reported to our knowledge, this variant causes a shift in reading frame starting at codon cysteine (Cys), changing it to a serine (Ser), and creating a premature stop codon at position 13 of the new reading frame, denoted p.Cys129SerfsX13. This likely pathogenic variant is expected to result in either an abnormal, truncated protein product or loss of protein from this allele through nonsense-mediated mRNA decay. Other frameshift variants in the FBN1 gene have been reported in Human Gene Mutation Database in association with Marfan syndrome (Stenson et al., 2014), indicating that loss of function is a mechanism of disease for this gene. Furthermore, the c.386delG variant has not been observed in large population cohorts (Lek et al., 2016).